The following is an entry in ClinVar:

ClinVar aggregate classification (germline): Likely pathogenic (1 of 4 stars; one submission).

Conditions:
Polymicrogyria with or without vascular-type Ehlers-Danlos syndrome. Identifiers: Orphanet 636941, MedGen C5193040, MONDO:0032688, OMIM 618343.
Ehlers-Danlos syndrome, type 4 (EDSVASC). Also called: Ehlers-Danlos syndrome vascular type; Ehlers Danlos syndrome, ecchymotic type; Ehlers Danlos syndrome, arterial type; Ehlers Danlos syndrome, Sack-Barabas type; Ehlers-Danlos Syndrome Type IV. Identifiers: Orphanet 286, MedGen C0268338, MONDO:0017314, OMIM 130050.

Submission:

Juno Genomics, Hangzhou Juno Genomics, Inc
Classification: Likely pathogenic for Ehlers-Danlos syndrome, type 4; Polymicrogyria with or without vascular-type Ehlers-Danlos syndrome. Review status: criteria provided, single submitter. Criteria: ACMG Guidelines, 2015. Collection method: clinical testing. Allele origin: germline.
Comment: Absent from controls (or at extremely low frequency if recessive) in Genome Aggregation Database.;Null variant in a gene where loss of function (LOF) is a known mechanism of disease.

NM_000090.4(COL3A1):c.609del (p.Gly204fs)

Gene: COL3A1 (collagen type III alpha 1 chain; plus strand). Cytogenetic location: 2q32.2.
Variant type: Deletion.
Coding change: c.609del on transcript NM_000090.4 (MANE Select); coding-DNA position 609, one base deleted (T; older notation c.609delT).
Protein change: p.Gly204fs; shifts the reading frame from glycine 204.
Molecular consequence: frameshift variant.
Genome position (GRCh38, 1-based): chr2:188,988,616, T deleted. VCF-style (leftmost placement, unchanged base first): chr2-188988615-CT-C. GRCh37 (hg19) VCF-style: chr2-189853341-CT-C.
Other names: short protein forms G204fs.
Identifiers: ClinVar variation 3382413 (VCV003382413.3).